The following is an entry in ClinVar:

NM_001267550.2(TTN):c.43669G>A (p.Asp14557Asn)

Gene: TTN (titin; minus strand). Cytogenetic location: 2q31.2.
Variant type: single nucleotide variant.
Coding change: c.43669G>A on transcript NM_001267550.2 (MANE Select); coding-DNA position 43669, G replaced by A.
Protein change: p.Asp14557Asn; replaces aspartic acid 14557 with asparagine.
Molecular consequence: missense variant.
Genome position (GRCh38, 1-based): chr2:178,632,225, C>T on the plus strand (G>A on the coding strand, the complement: TTN is on the minus strand). VCF-style: chr2-178632225-C-T. GRCh37 (hg19) VCF-style: chr2-179496952-C-T.
Other names: p.D12916N:GAC>AAC; c.38746G>A, p.Asp12916Asn (NM_001256850.1); c.16474G>A, p.Asp5492Asn (NM_003319.4); c.35965G>A, p.Asp11989Asn (NM_133378.4); c.16849G>A, p.Asp5617Asn (NM_133432.3); c.17050G>A, p.Asp5684Asn (NM_133437.4); short protein forms D12916N, D14557N, D5492N, D5684N, D11989N, D5617N.
Identifiers: ClinVar variation 202632 (VCV000202632.5), dbSNP rs794729431, ClinGen allele CA309814.
Genomic context (GRCh38, chr2:178,632,225, plus strand): 5'-CTTCTGAACTCATCCCCATAGCTTCTACTCTAATTTGGGAGGTGTCATCAATAGACAGGT[C>T]TTTGAATGTGATCGAATGAGTTTTCCCTTCGTCTTGCATTGAGACCGACCTGGTGGTGTG-3'
Protein context (NP_001254479.2, residues 14547-14567): EGKTHSITFK[Asp14557Asn]LSIDDTSQIR

ClinVar aggregate classification (germline): Uncertain significance. Review status: criteria provided, multiple submitters, no conflicts (2 of 4 stars). 3 submissions from 3 submitters: Uncertain significance (3). Last evaluated 2025-03-27.

Conditions:
TTN-related disorder. Also called: TTN-related condition; TTN-related disease; TTN-related disorders.
Dilated cardiomyopathy 1G (CMD1G). Identifiers: Orphanet 154, MedGen C1858763, MONDO:0011400, OMIM 604145.
Autosomal recessive limb-girdle muscular dystrophy type 2J (LGMDR10). Also called: Limb-girdle muscular dystrophy, type 2J; MUSCULAR DYSTROPHY, LIMB-GIRDLE, AUTOSOMAL RECESSIVE 10. Identifiers: Orphanet 140922, MedGen C1837342, MONDO:0012127, OMIM 608807.

Allele frequency attached by ClinVar (database versions not stated): gnomAD 0.00001; TOPMed 0.00001.
gnomAD v4.1: 12 of 1,607,550 alleles (0.00075%); highest among the groups gnomAD compares: African/African-American, 0.0013%; no homozygotes.

Submissions (3):

PreventionGenetics, part of Exact Sciences
Classification: Uncertain significance for TTN-related condition. Last evaluated: 2025-03-27. Review status: criteria provided, single submitter. Criteria: ACMG Guidelines, 2015. Collection method: clinical testing. Allele origin: germline.
Comment: The TTN c.43669G>A variant is predicted to result in the amino acid substitution p.Asp14557Asn. To our knowledge, this variant has not been reported in the literature or in a large population database (gnomAD), indicating this variant is rare. At this time, the clinical significance of this variant is uncertain due to the absence of conclusive functional and genetic evidence.

Labcorp Genetics (formerly Invitae), Labcorp
Classification: Uncertain significance for Dilated cardiomyopathy 1G; Autosomal recessive limb-girdle muscular dystrophy type 2J. Last evaluated: 2017-06-05. Review status: criteria provided, single submitter. Criteria: Invitae Variant Classification Sherloc (09022015). Collection method: clinical testing. Allele origin: germline.

GeneDx
Classification: Uncertain significance. Last evaluated: 2014-09-23. Review status: criteria provided, single submitter. Criteria: GeneDx Variant Classification (06012015). Collection method: clinical testing. Allele origin: germline. Affected: yes.
Comment: Missense variants in the TTN gene are considered 'unclassified' if they are not previously reported in the literature and do not have >1% frequency in the population to be considered a polymorphism. Research indicates that truncating mutations in the TTN gene are expected to account for approximately 25% of familial and 18% of sporadic idiopathic DCM; however, truncating variants in the TTN gene have been reported in approximately 3% of reported control alleles. There has been little investigation into non-truncating variants. (Herman D et al. Truncations of titin causing dilated cardiomyopathy. N Eng J Med 366:619-628, 2012) The variant is found in DCM-CRDM panel(s).